The following is an entry in ClinVar:

NM_020461.4(TUBGCP6):c.1066G>A (p.Val356Met)

Gene: TUBGCP6 (tubulin gamma complex component 6; minus strand). Cytogenetic location: 22q13.33.
Variant type: single nucleotide variant.
Coding change: c.1066G>A on transcript NM_020461.4 (MANE Select); coding-DNA position 1066, G replaced by A.
Protein change: p.Val356Met; replaces valine 356 with methionine.
Molecular consequence: missense variant.
Genome position (GRCh38, 1-based): chr22:50,233,366, C>T on the plus strand (G>A on the coding strand, the complement: TUBGCP6 is on the minus strand). VCF-style: chr22-50233366-C-T. GRCh37 (hg19) VCF-style: chr22-50671795-C-T.
Other names: short protein forms V356M.
Identifiers: ClinVar variation 638421 (VCV000638421.9), dbSNP rs773504995, ClinGen allele CA10308844.
Genomic context (GRCh38, chr22:50,233,366, plus strand): 5'-CAGTTCTCACCTGGCAGAGCGAAAACGTGGCAGACACGACCCCAATCAAGACGTTCAGCA[C>T]GTCTTTCACCAGCTCGCACTCCTTCACCAGCACGGGCTGCGGGGCCTGTAGGACGCCCCC-3'
Protein context (NP_065194.3, residues 346-366): LVKECELVKD[Val356Met]LNVLIGVVSA

ClinVar aggregate classification (germline): Conflicting classifications of pathogenicity. Review status: criteria provided, conflicting classifications (1 of 4 stars). 2 submissions from 2 submitters: Uncertain significance (1); Likely benign (1). Last evaluated 2024-11-04.

Allele frequency attached by ClinVar (database versions not stated): ExAC 0.00001; gnomAD 0.00001; gnomAD exomes 0.00001 and 0.00002; TOPMed 0.00003.
gnomAD v4.1: 16 of 1,613,898 alleles (0.00099%); highest among the groups gnomAD compares: Admixed American, 0.0067%; no homozygotes.

Submissions (2):

Labcorp Genetics (formerly Invitae), Labcorp
Classification: Uncertain significance. Last evaluated: 2024-11-04. Review status: criteria provided, single submitter. Criteria: Invitae Variant Classification Sherloc (09022015). Collection method: clinical testing. Allele origin: germline.
Comment: This sequence change replaces valine, which is neutral and non-polar, with methionine, which is neutral and non-polar, at codon 356 of the TUBGCP6 protein (p.Val356Met). This variant is present in population databases (rs773504995, gnomAD 0.006%). This variant has not been reported in the literature in individuals affected with TUBGCP6-related conditions. ClinVar contains an entry for this variant (Variation ID: 638421). An algorithm developed to predict the effect of missense changes on protein structure and function (PolyPhen-2) suggests that this variant is likely to be disruptive. In summary, the available evidence is currently insufficient to determine the role of this variant in disease. Therefore, it has been classified as a Variant of Uncertain Significance.

Genomic Research Center, Shahid Beheshti University of Medical Sciences
Classification: Likely benign. Last evaluated: 2019-04-27. Review status: criteria provided, single submitter. Criteria: ACMG Guidelines, 2015. Collection method: clinical testing. Allele origin: unknown. Affected: no.